The following is an entry in ClinVar:

NR_003051.4(RMRP):n.46C>G

Gene: RMRP (RNA component of mitochondrial RNA processing endoribonuclease; minus strand). Cytogenetic location: 9p13.3.
Variant type: single nucleotide variant.
Molecular consequence: non-coding transcript variant (on NR_003051.4).
Genome position: GRCh38 VCF-style: chr9-35657974-G-C. GRCh37 (hg19) VCF-style: chr9-35657971-G-C.
Identifiers: ClinVar variation 3626706 (VCV003626706.2).

ClinVar aggregate classification (germline): Uncertain significance (1 of 4 stars; one submission).

Conditions:
Anauxetic dysplasia. Identifiers: Orphanet 93347, MedGen C1846796, MONDO:0011773.

gnomAD v4.1: 2 of 700,470 alleles (0.00029%); highest among the groups gnomAD compares: Non-Finnish European, 0.00052%; no homozygotes.

Submission:

Labcorp Genetics (formerly Invitae), Labcorp
Classification: Uncertain significance for Anauxetic dysplasia. Last evaluated: 2024-12-19. Review status: criteria provided, single submitter. Criteria: Invitae Variant Classification Sherloc (09022015). Collection method: clinical testing. Allele origin: germline.
Comment: This variant occurs in the RMRP gene, which encodes an RNA molecule that does not result in a protein product. This variant is not present in population databases (gnomAD no frequency). This variant has not been reported in the literature in individuals affected with RMRP-related conditions. Experimental studies and prediction algorithms are not available or were not evaluated, and the functional significance of this variant is currently unknown. In summary, the available evidence is currently insufficient to determine the role of this variant in disease. Therefore, it has been classified as a Variant of Uncertain Significance.